The following is an entry in ClinVar:

NM_001035.3(RYR2):c.6689-216C>T

Gene: RYR2 (ryanodine receptor 2; plus strand). Cytogenetic location: 1q43.
Variant type: single nucleotide variant.
Coding change: c.6689-216C>T on transcript NM_001035.3 (MANE Select); 216 bases into the intron before coding-DNA position 6689, C replaced by T.
Molecular consequence: intron variant.
Genome position (GRCh38, 1-based): chr1:237,634,673, C>T. VCF-style: chr1-237634673-C-T. GRCh37 (hg19) VCF-style: chr1-237797973-C-T.
Identifiers: ClinVar variation 671774 (VCV000671774.1), dbSNP rs7526807, ClinGen allele CA10994224.

ClinVar aggregate classification (germline): Benign (1 of 4 stars; one submission).

Allele frequency attached by ClinVar (database versions not stated): gnomAD 0.40270 and 0.40468; TOPMed 0.41164; 1000 Genomes Project 0.43071; 1000 Genomes Project 30x 0.43973.
gnomAD v4.1: 61,146 of 151,930 alleles (40%); highest among the groups gnomAD compares: African/African-American, 51%; 12,631 homozygotes.

Submission:

GeneDx
Classification: Benign. Last evaluated: 2018-06-16. Review status: criteria provided, single submitter. Criteria: GeneDx Variant Classification (06012015). Collection method: clinical testing. Allele origin: germline. Affected: yes.
Comment: This variant is considered likely benign or benign based on one or more of the following criteria: it is a conservative change, it occurs at a poorly conserved position in the protein, it is predicted to be benign by multiple in silico algorithms, and/or has population frequency not consistent with disease.